The following is an entry in ClinVar:

ClinVar aggregate classification (germline): Conflicting classifications of pathogenicity. Review status: criteria provided, conflicting classifications (1 of 4 stars). 2 submissions from 2 submitters: Likely pathogenic (1); Uncertain significance (1). Last evaluated 2026-09-08.

Conditions:
Fabry disease. Also called: ALPHA-GALACTOSIDASE A DEFICIENCY; Fabry's disease; Ceramide trihexosidosis; Angiokeratoma corporis diffusum; ANDERSON-FABRY DISEASE; CERAMIDE TRIHEXOSIDASE DEFICIENCY. Identifiers: Orphanet 324, MedGen C0002986, MONDO:0010526, OMIM 301500, HP:0001071. Disease mechanism: loss of function, Fabry disease is due to inactivating mutations in the X-linked GLA gene resulting in deficiency of the enzyme Alpha Galactosidase-A..

Submissions (2):

Genomenon, Inc
Classification: Uncertain significance for Fabry disease. Last evaluated: 2026-09-08. Review status: criteria provided, single submitter. Criteria: Genomenon Sequence Variant Interpretation Standards - Updated. Collection method: curation. Allele origin: germline. Affected: no.
Comment: GLA p.Pro362Thr (c.1084C>A) is a missense variant that changes the amino acid at codon 362 from Proline to Threonine. This variant has been reported in the published literature (PMID:28615118;24613481;24513544;27657681). It is absent or not present at a significant frequency in gnomAD. In silico models predict that this variant is possibly or probably damaging. In conclusion, we classify GLA p.Pro362Thr (c.1084C>A) as a variant of uncertain significance.

Labcorp Genetics (formerly Invitae), Labcorp
Classification: Likely pathogenic for Fabry disease. Last evaluated: 2024-02-23. Review status: criteria provided, single submitter. Criteria: Invitae Variant Classification Sherloc (09022015). Collection method: clinical testing. Allele origin: germline.
Comment: This sequence change replaces proline, which is neutral and non-polar, with threonine, which is neutral and polar, at codon 362 of the GLA protein (p.Pro362Thr). This variant is not present in population databases (gnomAD no frequency). This missense change has been observed in individual(s) with Fabry disease (PMID: 24513544; Invitae). Advanced modeling of protein sequence and biophysical properties (such as structural, functional, and spatial information, amino acid conservation, physicochemical variation, residue mobility, and thermodynamic stability) performed at Invitae indicates that this missense variant is not expected to disrupt GLA protein function with a negative predictive value of 80%. Experimental studies have shown that this missense change affects GLA function (PMID: 28615118). This variant disrupts the p.Pro362 amino acid residue in GLA. Other variant(s) that disrupt this residue have been determined to be pathogenic (PMID: 12175777, 23305247, 27657681; Invitae). This suggests that this residue is clinically significant, and that variants that disrupt this residue are likely to be disease-causing. In summary, the currently available evidence indicates that the variant is pathogenic, but additional data are needed to prove that conclusively. Therefore, this variant has been classified as Likely Pathogenic.

Literature cited by the submitters: PubMed 28615118 (cited by Genomenon, Inc and Labcorp Genetics (formerly Invitae), Labcorp); PubMed 24613481 (cited by Genomenon, Inc); PubMed 24513544 (cited by Genomenon, Inc and Labcorp Genetics (formerly Invitae), Labcorp); PubMed 27657681 (cited by Genomenon, Inc and Labcorp Genetics (formerly Invitae), Labcorp); PubMed 12175777 (cited by Labcorp Genetics (formerly Invitae), Labcorp); PubMed 23305247 (cited by Labcorp Genetics (formerly Invitae), Labcorp).

NM_000169.3(GLA):c.1084C>A (p.Pro362Thr)

Genes: GLA (galactosidase alpha; minus strand), RPL36A-HNRNPH2 (RPL36A-HNRNPH2 readthrough; plus strand). Cytogenetic location: Xq22.1.
Variant type: single nucleotide variant.
Coding change: c.1084C>A on transcript NM_000169.3 (MANE Select); coding-DNA position 1084, C replaced by A.
Protein change: p.Pro362Thr; replaces proline 362 with threonine.
Molecular consequence: missense variant. On other transcripts: non-coding transcript variant (3), intron variant (2).
Genome position (GRCh38, 1-based): chrX:101,398,015, G>T on the plus strand (C>A on the coding strand, the complement: GLA is on the minus strand). VCF-style: chrX-101398015-G-T. GRCh37 (hg19) VCF-style: chrX-100653003-G-T.
Other names: c.1207C>A, p.Pro403Thr (NM_001406747.1); c.300+2558G>T (NM_001199973.2); c.177+6193G>T (NM_001199974.2); short protein forms P403T, P362T.
Identifiers: ClinVar variation 3724318 (VCV003724318.4).
Genomic context (GRCh38, chrX:101,398,015, plus strand): 5'-AGGCAGGATTACAGGCCACTCCTTTACCCAGGGAAGCAACTGCGATGGTATAAGAGCGAG[G>T]TCCACCAATCTCCTGCCGGTTTATCATAGCTACAGCCCAGGCTAAGCCTGAGAGAGGTCG-3'
Protein context (NP_000160.1, residues 352-372): AMINRQEIGG[Pro362Thr]RSYTIAVASL